The following is an entry in ClinVar:

NM_015662.3(IFT172):c.1338T>C (p.Asn446=)

Gene: IFT172 (intraflagellar transport 172; minus strand). Cytogenetic location: 2p23.3.
Variant type: single nucleotide variant.
Coding change: c.1338T>C on transcript NM_015662.3 (MANE Select); coding-DNA position 1338, T replaced by C.
Protein change: p.Asn446=; no amino-acid change (asparagine 446 retained).
Molecular consequence: synonymous variant.
Genome position (GRCh38, 1-based): chr2:27,476,714, A>G on the plus strand (T>C on the coding strand, the complement: IFT172 is on the minus strand). VCF-style: chr2-27476714-A-G. GRCh37 (hg19) VCF-style: chr2-27699581-A-G.
Identifiers: ClinVar variation 476041 (VCV000476041.18), dbSNP rs61743327, ClinGen allele CA1580688.
Genomic context (GRCh38, chr2:27,476,714, plus strand): 5'-CTTAATATCAATAAGATAAGCCAATTTCTTATTATCTTCTGTTCCTCGCTGACACCTCTC[A>G]TTAATACGAACACTGAAACATGAAGGGTGAGGTAAGGCAAAATGGGCTGAGGTAGTTGGG-3'
Protein context (NP_056477.1, residues 436-456): MNPHLISVRI[Asn446=]ERCQRGTEDN

ClinVar aggregate classification (germline): Benign/Likely benign. Review status: criteria provided, multiple submitters, no conflicts (2 of 4 stars). 6 submissions from 6 submitters: Benign (4); Likely benign (2). Last evaluated 2026-01-28.

Conditions:
Retinitis pigmentosa 71 (RP71). Identifiers: Orphanet 791, MedGen C4225342, MONDO:0014618, OMIM 616394.
Short-rib thoracic dysplasia 10 with or without polydactyly (SRTD10). Identifiers: Orphanet 474, MedGen C3810175, MONDO:0014284, OMIM 615630.
Bardet-Biedl syndrome 20. Identifiers: MedGen C4310707, MONDO:0023670, OMIM 619471, MONDO:0014926.

Allele frequency attached by ClinVar (database versions not stated): gnomAD exomes 0.00066 and 0.00180; ExAC 0.00224; 1000 Genomes Project 30x 0.00578; 1000 Genomes Project 0.00579; gnomAD 0.00725 and 0.00780; TOPMed 0.00806; ESP Exome Variant Server 0.00877.
gnomAD v4.1: 2,109 of 1,610,372 alleles (0.13%); highest among the groups gnomAD compares: African/African-American, 2.5%; 22 homozygotes.

Submissions (6):

Labcorp Genetics (formerly Invitae), Labcorp
Classification: Benign for Retinitis pigmentosa 71; Short-rib thoracic dysplasia 10 with or without polydactyly. Last evaluated: 2026-01-28. Review status: criteria provided, single submitter. Criteria: Invitae Variant Classification Sherloc (09022015). Collection method: clinical testing. Allele origin: germline.

Blueprint Genetics
Classification: Likely benign. Last evaluated: 2024-11-06. Review status: criteria provided, single submitter. Criteria: ACMG Guidelines, 2015. Collection method: clinical testing. Allele origin: germline.

Fulgent Genetics
Classification: Likely benign for Short-rib thoracic dysplasia 10 with or without polydactyly; Retinitis pigmentosa 71; Bardet-Biedl syndrome 20. Last evaluated: 2021-07-27. Review status: criteria provided, single submitter. Criteria: ACMG Guidelines, 2015. Collection method: clinical testing. Allele origin: unknown.

GeneDx
Classification: Benign. Last evaluated: 2018-04-02. Review status: criteria provided, single submitter. Criteria: GeneDx Variant Classification (06012015). Collection method: clinical testing. Allele origin: germline. Affected: yes.
Comment: This variant is considered likely benign or benign based on one or more of the following criteria: it is a conservative change, it occurs at a poorly conserved position in the protein, it is predicted to be benign by multiple in silico algorithms, and/or has population frequency not consistent with disease.

Genetic Services Laboratory, University of Chicago
Classification: Benign. Last evaluated: 2017-11-28. Review status: criteria provided, single submitter. Criteria: ACMG Guidelines, 2015. Collection method: clinical testing. Allele origin: germline. Affected: no.

Breakthrough Genomics
Classification: Benign. Review status: criteria provided, single submitter. Criteria: ACMG Guidelines, 2015. Collection method: not provided. Allele origin: germline. Inheritance: Autosomal recessive inheritance. Affected: yes.